The following is an entry in ClinVar:

ClinVar aggregate classification (germline): Uncertain significance. Review status: criteria provided, multiple submitters, no conflicts (2 of 4 stars). 2 submissions from 2 submitters: Uncertain significance (2). Last evaluated 2023-03-19.

Conditions:
Neurodevelopmental disorder with or without hyperkinetic movements and seizures, autosomal dominant. Also called: Intellectual disability, autosomal dominant 8. Identifiers: MedGen C3280282, MONDO:0013655, OMIM 614254.

gnomAD v4.1: 6 of 1,612,348 alleles (0.00037%); highest among the groups gnomAD compares: Non-Finnish European, 0.00051%; no homozygotes.

Submissions (2):

Labcorp Genetics (formerly Invitae), Labcorp
Classification: Uncertain significance for Neurodevelopmental disorder with or without hyperkinetic movements and seizures, autosomal dominant. Last evaluated: 2023-03-19. Review status: criteria provided, single submitter. Criteria: Invitae Variant Classification Sherloc (09022015). Collection method: clinical testing. Allele origin: germline.
Comment: This sequence change replaces proline, which is neutral and non-polar, with leucine, which is neutral and non-polar, at codon 447 of the GRIN1 protein (p.Pro447Leu). The frequency data for this variant in the population databases is considered unreliable, as metrics indicate poor data quality at this position in the gnomAD database. This variant has not been reported in the literature in individuals affected with GRIN1-related conditions. ClinVar contains an entry for this variant (Variation ID: 129178). An algorithm developed to predict the effect of missense changes on protein structure and function (PolyPhen-2) suggests that this variant is likely to be tolerated. In summary, the available evidence is currently insufficient to determine the role of this variant in disease. Therefore, it has been classified as a Variant of Uncertain Significance.

Genetic Services Laboratory, University of Chicago
Classification: Uncertain significance. Last evaluated: 2014-03-31. Review status: criteria provided, single submitter. Criteria: ACMG Guidelines, 2007. Collection method: clinical testing. Allele origin: germline. Inheritance: Autosomal dominant inheritance.

NM_007327.4(GRIN1):c.1340C>T (p.Pro447Leu)

Gene: GRIN1 (glutamate ionotropic receptor NMDA type subunit 1; plus strand). Cytogenetic location: 9q34.3.
Variant type: single nucleotide variant.
Coding change: c.1340C>T on transcript NM_007327.4 (MANE Select); coding-DNA position 1340, C replaced by T.
Protein change: p.Pro447Leu; replaces proline 447 with leucine.
Molecular consequence: missense variant.
Genome position (GRCh38, 1-based): chr9:137,161,289, C>T. VCF-style: chr9-137161289-C-T. GRCh37 (hg19) VCF-style: chr9-140055741-C-T.
Other names: c.1340C>T, p.Pro447Leu (NM_000832.7, NM_021569.4); c.1403C>T, p.Pro468Leu (NM_001185090.2, NM_001185091.2); short protein forms P447L, P468L.
Identifiers: ClinVar variation 129178 (VCV000129178.9), dbSNP rs587780348, ClinGen allele CA231141.
Genomic context (GRCh38, chr9:137,161,289, plus strand): 5'-GGCAGGGCGCGGGGCGTGGGGCGGTCTGGAGCCCAGCAGTTACCGCCCGCACCTACCCAG[C>T]CCGCCACACGGTGCCTCAGTGTTGCTACGGCTTTTGCATCGACCTGCTCATCAAGCTGGC-3'
Protein context (NP_015566.1, residues 437-457): TGPNDTSPGS[Pro447Leu]RHTVPQCCYG